The following is an entry in ClinVar:

ClinVar aggregate classification (germline): Uncertain significance. Review status: criteria provided, multiple submitters, no conflicts (2 of 4 stars). 2 submissions from 2 submitters: Uncertain significance (2). Last evaluated 2024-10-18.

Conditions:
Hereditary cancer-predisposing syndrome. Also called: Tumor predisposition; Neoplastic Syndromes, Hereditary; Hereditary Cancer Syndrome; Hereditary neoplastic syndrome. Identifiers: Orphanet 140162, MedGen C0027672, MeSH D009386, MONDO:0015356.
Hereditary breast ovarian cancer syndrome. Also called: Hereditary breast and ovarian cancer; Breast and ovarian cancer; Hereditary breast and/or ovarian cancer syndrome; Hereditary breast and ovarian cancer syndrome; BRCA1- and BRCA2-Associated Hereditary Breast and Ovarian Cancer; Hereditary breast and ovarian cancer syndrome (HBOC). Identifiers: Orphanet 145, MedGen C0677776, MeSH D061325, MONDO:0003582. Disease mechanism: loss of function.

Submissions (2):

Ambry Genetics
Classification: Uncertain significance for Hereditary cancer-predisposing syndrome. Last evaluated: 2024-10-18. Review status: criteria provided, single submitter. Criteria: Ambry Variant Classification Scheme 2023. Collection method: clinical testing. Allele origin: germline.
Comment: The p.I2003L variant (also known as c.6007A>C), located in coding exon 10 of the BRCA2 gene, results from an A to C substitution at nucleotide position 6007. The isoleucine at codon 2003 is replaced by leucine, an amino acid with highly similar properties. This amino acid position is conserved. In addition, this alteration is predicted to be tolerated by in silico analysis. Based on the available evidence, the clinical significance of this variant remains unclear.

Labcorp Genetics (formerly Invitae), Labcorp
Classification: Uncertain significance for Hereditary breast ovarian cancer syndrome. Last evaluated: 2024-10-12. Review status: criteria provided, single submitter. Criteria: Invitae Variant Classification Sherloc (09022015). Collection method: clinical testing. Allele origin: germline.
Comment: This sequence change replaces isoleucine, which is neutral and non-polar, with leucine, which is neutral and non-polar, at codon 2003 of the BRCA2 protein (p.Ile2003Leu). This variant is not present in population databases (gnomAD no frequency). This variant has not been reported in the literature in individuals affected with BRCA2-related conditions. Invitae Evidence Modeling of protein sequence and biophysical properties (such as structural, functional, and spatial information, amino acid conservation, physicochemical variation, residue mobility, and thermodynamic stability) indicates that this missense variant is not expected to disrupt BRCA2 protein function with a negative predictive value of 95%. In summary, the available evidence is currently insufficient to determine the role of this variant in disease. Therefore, it has been classified as a Variant of Uncertain Significance.

NM_000059.4(BRCA2):c.6007A>C (p.Ile2003Leu)

Gene: BRCA2 (BRCA2 DNA repair associated; plus strand). Cytogenetic location: 13q13.1.
Variant type: single nucleotide variant.
Coding change: c.6007A>C on transcript NM_000059.4 (MANE Select); coding-DNA position 6007, A replaced by C.
Protein change: p.Ile2003Leu; replaces isoleucine 2003 with leucine.
Molecular consequence: missense variant. On other transcripts: non-coding transcript variant (1), intron variant (2).
Genome position (GRCh38, 1-based): chr13:32,340,362, A>C. VCF-style: chr13-32340362-A-C. GRCh37 (hg19) VCF-style: chr13-32914499-A-C.
Other names: c.6007A>C, p.Ile2003Leu (NM_001406719.1, NM_001406720.1, NM_001432077.1); c.1910-4196A>C (NM_001406721.1); c.425-4196A>C (NM_001406722.1); short protein forms I2003L.
Identifiers: ClinVar variation 3482142 (VCV003482142.3).